The following is an entry in ClinVar:

NM_016511.4(CLEC1A):c.77G>C (p.Gly26Ala)

Gene: CLEC1A (C-type lectin domain family 1 member A; minus strand). Cytogenetic location: 12p13.2.
Variant type: single nucleotide variant.
Coding change: c.77G>C on transcript NM_016511.4 (MANE Select); coding-DNA position 77, G replaced by C.
Protein change: p.Gly26Ala; replaces glycine 26 with alanine.
Molecular consequence: missense variant. On other transcripts: 5 prime UTR variant (2).
Genome position (GRCh38, 1-based): chr12:10,098,846, C>G on the plus strand (G>C on the coding strand, the complement: CLEC1A is on the minus strand). VCF-style: chr12-10098846-C-G. GRCh37 (hg19) VCF-style: chr12-10251445-C-G.
Other names: CLEC1A, GLY26ALA (2306894); c.77G>C, p.Gly26Ala (NM_001297748.2, NM_001297749.2); c.-286G>C (NM_001297750.2); c.-230G>C (NM_001297751.2); short protein forms G26A.
Identifiers: ClinVar variation 590287 (VCV000590287.5), dbSNP rs2306894, ClinGen allele CA6443839.

ClinVar aggregate classification (germline): Benign. Review status: criteria provided, multiple submitters, no conflicts (2 of 4 stars). 3 submissions from 3 submitters: Benign (2). 1 of the submissions does not count toward it. Last evaluated 2019-04-19.

Conditions:
Aspergillosis, susceptibility to. Identifiers: Orphanet 1163, MedGen C3279774, MONDO:0013562, OMIM 614079.

Allele frequency attached by ClinVar (database versions not stated): 1000 Genomes Project 0.67053; 1000 Genomes Project 30x 0.67958; gnomAD exomes 0.75268 and 0.83519; ExAC 0.76792; TOPMed 0.82352; gnomAD 0.83648 and 0.85307; ESP Exome Variant Server 0.88582.
gnomAD v4.1: 1,346,206 of 1,612,902 alleles (83%); highest among the groups gnomAD compares: African/African-American, 90%; 575,530 homozygotes.

Submissions (3):

GeneDx
Classification: Benign. Last evaluated: 2019-04-19. Review status: criteria provided, single submitter. Criteria: GeneDx Variant Classification Process June 2021. Collection method: clinical testing. Allele origin: germline. Affected: yes.
Comment: This variant is associated with the following publications: (PMID: 29489751)

Breakthrough Genomics
Classification: Benign. Review status: criteria provided, single submitter. Criteria: ACMG Guidelines, 2015. Collection method: not provided. Allele origin: germline. Inheritance: Unknown mechanism. Affected: yes.

OMIM
Classification: risk factor for ASPERGILLOSIS, SUSCEPTIBILITY TO. Last evaluated: 2018-11-07. Review status: no assertion criteria provided. Collection method: literature only. Allele origin: germline. Not counted in ClinVar's aggregate classification.

Literature cited by the submitters: PubMed 29489751 (cited by OMIM).